The following is an entry in ClinVar:

NM_033118.4(MYLK2):c.593A>C (p.Asn198Thr)

Gene: MYLK2 (myosin light chain kinase 2; plus strand). Cytogenetic location: 20q11.21.
Variant type: single nucleotide variant.
Coding change: c.593A>C on transcript NM_033118.4 (MANE Select); coding-DNA position 593, A replaced by C.
Protein change: p.Asn198Thr; replaces asparagine 198 with threonine.
Molecular consequence: missense variant.
Genome position (GRCh38, 1-based): chr20:31,821,558, A>C. VCF-style: chr20-31821558-A-C. GRCh37 (hg19) VCF-style: chr20-30409361-A-C.
Other names: short protein forms N198T.
Identifiers: ClinVar variation 3915789 (VCV003915789.1).
Genomic context (GRCh38, chr20:31,821,558, plus strand): 5'-GGGTGCCCATGACCCACAGCCCCACGGATCCCAGGCCAGCCAAGGCAGAAGAAGGAAAGA[A>C]CATCCTGGCAGAGAGCCAGAAGGAAGTGGGAGAGAAAACCCCAGGCCAGGCTGGCCAGGC-3'
Protein context (NP_149109.1, residues 188-208): PRPAKAEEGK[Asn198Thr]ILAESQKEVG

ClinVar aggregate classification (germline): Uncertain significance (1 of 4 stars; one submission).

gnomAD v4.1: 1 of 1,613,998 alleles (0.000062%); highest among the groups gnomAD compares: Admixed American, 0.0017%; no homozygotes.

Submission:

Ambry Genetics
Classification: Uncertain significance. Last evaluated: 2025-03-31. Review status: criteria provided, single submitter. Criteria: Ambry Variant Classification Scheme 2023. Collection method: clinical testing. Allele origin: germline.
Comment: The p.N198T variant (also known as c.593A>C), located in coding exon 3 of the MYLK2 gene, results from an A to C substitution at nucleotide position 593. The asparagine at codon 198 is replaced by threonine, an amino acid with similar properties. This amino acid position is conserved. In addition, this alteration is predicted to be tolerated by in silico analysis. Based on the available evidence, the clinical significance of this variant remains unclear.